The following is an entry in ClinVar:

NM_006231.4(POLE):c.3379-17G>A

Gene: POLE (DNA polymerase epsilon, catalytic subunit; minus strand). Cytogenetic location: 12q24.33.
Variant type: single nucleotide variant.
Coding change: c.3379-17G>A on transcript NM_006231.4 (MANE Select); 17 bases into the intron before coding-DNA position 3379, G replaced by A.
Molecular consequence: intron variant.
Genome position (GRCh38, 1-based): chr12:132,657,446, C>T on the plus strand (G>A on the coding strand, the complement: POLE is on the minus strand). VCF-style: chr12-132657446-C-T. GRCh37 (hg19) VCF-style: chr12-133234032-C-T.
Identifiers: ClinVar variation 516947 (VCV000516947.9), dbSNP rs907214942, ClinGen allele CA246314935.
Genomic context (GRCh38, chr12:132,657,446, plus strand): 5'-ATGGCGCTTCCCAGCCGCTCAATGTAGTAGTCCCAATCCAGAATCTGCATGTGCAGGAAA[C>T]GGGCACAGAGAACAGCAGGTGGCAGCAGCCAAGAGTGGGGCTCACTTCATGCTGAGCACA-3'

ClinVar aggregate classification (germline): Likely benign. Review status: criteria provided, multiple submitters, no conflicts (2 of 4 stars). 3 submissions from 3 submitters: Likely benign (2). 1 of the submissions does not count toward it. Last evaluated 2026-02-03.

Conditions:
Colorectal cancer, susceptibility to, 12 (CRCS12). Also called: COLORECTAL CANCER, SUSCEPTIBILITY TO, ON CHROMOSOME 12q24. Identifiers: Orphanet 220460, MedGen C3554460, MONDO:0014038, OMIM 615083.

Allele frequency attached by ClinVar (database versions not stated): gnomAD exomes 0.00001 and 0.00002; gnomAD 0.00002; TOPMed 0.00004.
gnomAD v4.1: 31 of 1,612,248 alleles (0.0019%); highest among the groups gnomAD compares: Admixed American, 0.005%; no homozygotes.

Submissions (3):

Labcorp Genetics (formerly Invitae), Labcorp
Classification: Likely benign. Last evaluated: 2026-02-03. Review status: criteria provided, single submitter. Criteria: Invitae Variant Classification Sherloc (09022015). Collection method: clinical testing. Allele origin: germline.

GeneDx
Classification: Likely benign. Last evaluated: 2017-06-10. Review status: criteria provided, single submitter. Criteria: GeneDx Variant Classification (06012015). Collection method: clinical testing. Allele origin: germline. Affected: yes.
Comment: This variant is considered likely benign or benign based on one or more of the following criteria: it is a conservative change, it occurs at a poorly conserved position in the protein, it is predicted to be benign by multiple in silico algorithms, and/or has population frequency not consistent with disease.

Counsyl
Classification: Likely benign for Colorectal cancer, susceptibility to, 12. Last evaluated: 2017-10-13. Review status: no assertion criteria provided. Collection method: clinical testing. Allele origin: unknown. Not counted in ClinVar's aggregate classification.